The following is an entry in ClinVar:

NM_000051.4(ATM):c.481C>G (p.Gln161Glu)

Gene: ATM (ATM serine/threonine kinase; plus strand). Cytogenetic location: 11q22.3.
Variant type: single nucleotide variant.
Coding change: c.481C>G on transcript NM_000051.4 (MANE Select); coding-DNA position 481, C replaced by G.
Protein change: p.Gln161Glu; replaces glutamine 161 with glutamic acid.
Molecular consequence: missense variant.
Genome position (GRCh38, 1-based): chr11:108,235,819, C>G. VCF-style: chr11-108235819-C-G. GRCh37 (hg19) VCF-style: chr11-108106546-C-G.
Other names: c.481C>G, p.Gln161Glu (NM_001351834.2); short protein forms Q161E.
Identifiers: ClinVar variation 2708524 (VCV002708524.3), dbSNP rs2135125929, ClinGen allele CA382525642.

ClinVar aggregate classification (germline): Uncertain significance (1 of 4 stars; one submission).

Conditions:
Ataxia-telangiectasia syndrome (AT). Also called: ATAXIA-TELANGIECTASIA, COMPLEMENTATION GROUP A; ATAXIA-TELANGIECTASIA, FRESNO VARIANT; Ataxia-telangiectasia, complementation group D; LOUIS-BAR SYNDROME; AT, COMPLEMENTATION GROUP C; Ataxia-telangiectasia. Identifiers: Orphanet 100, MedGen C0004135, MONDO:0008840, OMIM 208900.

Submission:

Labcorp Genetics (formerly Invitae), Labcorp
Classification: Uncertain significance for Ataxia-telangiectasia syndrome. Last evaluated: 2023-05-24. Review status: criteria provided, single submitter. Criteria: Invitae Variant Classification Sherloc (09022015). Collection method: clinical testing. Allele origin: germline.
Comment: This variant is not present in population databases (gnomAD no frequency). This variant has not been reported in the literature in individuals affected with ATM-related conditions. An algorithm developed to predict the effect of missense changes on protein structure and function (PolyPhen-2) suggests that this variant is likely to be tolerated. In summary, the available evidence is currently insufficient to determine the role of this variant in disease. Therefore, it has been classified as a Variant of Uncertain Significance. This sequence change replaces glutamine, which is neutral and polar, with glutamic acid, which is acidic and polar, at codon 161 of the ATM protein (p.Gln161Glu).